The following is an entry in ClinVar:

ClinVar aggregate classification (germline): Benign. Review status: criteria provided, single submitter (1 of 4 stars). 2 submissions from 1 submitter: Benign (2). Last evaluated 2018-01-12.

Conditions:
Isolated focal cortical dysplasia type II (FCORD2). Also called: CORTICAL DYSPLASIA OF TAYLOR; Focal cortical dysplasia type II. Identifiers: Orphanet 268994, MedGen C1846385, MONDO:0011818, OMIM 607341, HP:0032051.
Tuberous sclerosis 1 (TSC1). Identifiers: Orphanet 805, MedGen C1854465, MONDO:0008612, OMIM 191100.

Allele frequency attached by ClinVar (database versions not stated): gnomAD 0.00002 and 0.00004; gnomAD exomes 0.00004; TOPMed 0.00007; 1000 Genomes Project 30x 0.00047; 1000 Genomes Project 0.00060.
gnomAD v4.1: 9 of 233,672 alleles (0.0039%); highest among the groups gnomAD compares: Admixed American, 0.017%; no homozygotes.

Submissions (2):

Illumina Laboratory Services, Illumina
Classification: Benign for Isolated focal cortical dysplasia type II. Last evaluated: 2018-01-12. Review status: criteria provided, single submitter. Criteria: ICSL Variant Classification Criteria 13 December 2019. Collection method: clinical testing. Allele origin: germline.
Comment: This variant was observed in the ICSL laboratory as part of a predisposition screen in an ostensibly healthy population. It had not been previously curated by ICSL or reported in the Human Gene Mutation Database (HGMD: prior to June 1st, 2018), and was therefore a candidate for classification through an automated scoring system. Utilizing variant allele frequency, disease prevalence and penetrance estimates, and inheritance mode, an automated score was calculated to assess if this variant is too frequent to cause the disease. Based on the score and internal cut-off values, a variant classified as benign is not then subjected to further curation. The score for this variant resulted in a classification of benign for this disease.

Illumina Laboratory Services, Illumina
Classification: Benign for Tuberous sclerosis 1. Last evaluated: 2018-01-12. Review status: criteria provided, single submitter. Criteria: ICSL Variant Classification Criteria 13 December 2019. Collection method: clinical testing. Allele origin: germline.
Comment: the same text as in the submission from Illumina Laboratory Services, Illumina above.

NM_000368.5(TSC1):c.*4385G>T

Gene: TSC1 (TSC complex subunit 1; minus strand). Cytogenetic location: 9q34.13.
Variant type: single nucleotide variant.
Coding change: c.*4385G>T on transcript NM_000368.5 (MANE Select); 4385 bases downstream of the stop codon, G replaced by T.
Molecular consequence: 3 prime UTR variant.
Genome position (GRCh38, 1-based): chr9:132,891,850, C>A on the plus strand (G>T on the coding strand, the complement: TSC1 is on the minus strand). VCF-style: chr9-132891850-C-A. GRCh37 (hg19) VCF-style: chr9-135767237-C-A.
Other names: c.*4385G>T (NM_001162426.2, NM_001162427.2, NM_001362177.2).
Identifiers: ClinVar variation 365393 (VCV000365393.5), dbSNP rs552453527, ClinGen allele CA10629264.